The following is an entry in ClinVar:

NM_007294.4(BRCA1):c.1363_1364insT (p.Asn455fs)

Gene: BRCA1 (BRCA1 DNA repair associated; minus strand). Cytogenetic location: 17q21.31.
Variant type: Insertion.
Coding change: c.1363_1364insT on transcript NM_007294.4 (MANE Select); coding-DNA positions 1363 to 1364, T inserted.
Protein change: p.Asn455fs; shifts the reading frame from asparagine 455.
Molecular consequence: frameshift variant. On other transcripts: intron variant (137).
Genome position: GRCh38 VCF-style: chr17-43094167-T-TA. GRCh37 (hg19) VCF-style: chr17-41246184-T-TA.
Other names: c.1150_1151insT, p.Asn384fs (NM_001407853.1, NM_001407894.1, NM_001407895.1 and 9 more transcripts); c.1363_1364insT, p.Asn455fs (NM_001407854.1, NM_001407581.1, NM_001407582.1 and 30 more transcripts); c.1153_1154insT, p.Asn385fs (NM_001407879.1, NM_001407881.1, NM_001407882.1 and 13 more transcripts); c.1240_1241insT, p.Asn414fs (NM_001407919.1, NM_001407937.1, NM_001407938.1 and 19 more transcripts); c.1099_1100insT, p.Asn367fs (NM_001407920.1, NM_001407929.1, NM_001407933.1 and 9 more transcripts); c.1096_1097insT, p.Asn366fs (NM_001407930.1, NM_001407931.1, NM_001407932.1 and 2 more transcripts); c.1030_1031insT, p.Asn344fs (NM_001407947.1, NM_001407948.1, NM_001407949.1 and 6 more transcripts); c.1027_1028insT, p.Asn343fs (NM_001407954.1, NM_001407955.1, NM_001407956.1 and 1 more transcripts); and 40 more; short protein forms N408fs, N455fs, N287fs, N343fs, N344fs, N388fs, N407fs, N429fs.
Identifiers: ClinVar variation 481485 (VCV000481485.30), dbSNP rs1555591850, ClinGen allele CA658656790.

ClinVar aggregate classification (germline): Pathogenic/Likely pathogenic. Review status: criteria provided, multiple submitters, no conflicts (2 of 4 stars). 5 submissions from 5 submitters: Pathogenic (3); Likely pathogenic (2). Last evaluated 2025-08-11.

Conditions:
Hereditary cancer-predisposing syndrome. Also called: Hereditary neoplastic syndrome; Tumor predisposition; Neoplastic Syndromes, Hereditary; Hereditary Cancer Syndrome. Identifiers: Orphanet 140162, MedGen C0027672, MeSH D009386, MONDO:0015356.
Hereditary breast ovarian cancer syndrome. Also called: Hereditary breast and ovarian cancer; Breast and ovarian cancer; BRCA1- and BRCA2-Associated Hereditary Breast and Ovarian Cancer; Hereditary breast and/or ovarian cancer syndrome; Hereditary breast and ovarian cancer syndrome (HBOC); Hereditary breast and ovarian cancer syndrome. Identifiers: Orphanet 145, MedGen C0677776, MeSH D061325, MONDO:0003582. Disease mechanism: loss of function.
Breast-ovarian cancer, familial, susceptibility to, 1 (BROVCA1). Also called: BRCA1 Hereditary Breast and Ovarian Cancer; OVARIAN CANCER, SUSCEPTIBILITY TO. Identifiers: Orphanet 145, MedGen C2676676, MONDO:0011450, OMIM 604370. Disease mechanism: loss of function.

Submissions (5):

Labcorp Genetics (formerly Invitae), Labcorp
Classification: Pathogenic for Hereditary breast ovarian cancer syndrome. Last evaluated: 2025-08-11. Review status: criteria provided, single submitter. Criteria: Invitae Variant Classification Sherloc (09022015). Collection method: clinical testing. Allele origin: germline.
Comment: This sequence change creates a premature translational stop signal (p.Asn455Ilefs*3) in the BRCA1 gene. It is expected to result in an absent or disrupted protein product. Loss-of-function variants in BRCA1 are known to be pathogenic (PMID: 20104584). This variant is not present in population databases (gnomAD no frequency). This variant has not been reported in the literature in individuals affected with BRCA1-related conditions. ClinVar contains an entry for this variant (Variation ID: 481485). For these reasons, this variant has been classified as Pathogenic.

CeGaT Center for Human Genetics Tuebingen
Classification: Pathogenic. Last evaluated: 2024-09-01. Review status: criteria provided, single submitter. Criteria: CeGaT Center For Human Genetics Tuebingen Variant Classification Criteria Version 2. Collection method: clinical testing. Allele origin: germline. Affected: yes. Observed: 1 variant allele.
Comment: BRCA1: PVS1, PM2

Women's Health and Genetics/Laboratory Corporation of America, LabCorp
Classification: Likely pathogenic for Hereditary breast ovarian cancer syndrome. Last evaluated: 2023-02-06. Review status: criteria provided, single submitter. Criteria: LabCorp Variant Classification Summary - May 2015. Collection method: clinical testing. Allele origin: germline.
Comment: Variant summary: BRCA1 c.1363_1364insT (p.Asn455IlefsX3) results in a premature termination codon, predicted to cause a truncation of the encoded protein or absence of the protein due to nonsense mediated decay, which are commonly known mechanisms for disease. Truncations downstream of this position have been classified as pathogenic by our laboratory. The variant was absent in 251004 control chromosomes. To our knowledge, no occurrence of c.1363_1364insT in individuals affected with Hereditary Breast And Ovarian Cancer Syndrome and no experimental evidence demonstrating its impact on protein function have been reported. Two submitters have provided clinical-significance assessments for this variant to ClinVar after 2014, and classified the variant as pathogenic. Based on the evidence outlined above, the variant was classified as likely pathogenic.

Baylor Genetics
Classification: Likely pathogenic for Breast-ovarian cancer, familial, susceptibility to, 1. Last evaluated: 2022-08-22. Review status: criteria provided, single submitter. Criteria: ACMG Guidelines, 2015. Collection method: clinical testing. Allele origin: unknown.

Ambry Genetics
Classification: Pathogenic for Hereditary cancer-predisposing syndrome. Last evaluated: 2017-06-07. Review status: criteria provided, single submitter. Criteria: Ambry Variant Classification Scheme 2023. Collection method: clinical testing. Allele origin: germline.
Comment: The c.1363_1364insT pathogenic mutation, located in coding exon 9 of the BRCA1 gene, results from an insertion of one nucleotide at position 1363, causing a translational frameshift with a predicted alternate stop codon (p.N455Ifs*3). This alteration is expected to result in loss of function by premature protein truncation or nonsense-mediated mRNA decay. As such, this alteration is interpreted as a disease-causing mutation.

Literature cited by the submitters: PubMed 20104584 (cited by Labcorp Genetics (formerly Invitae), Labcorp).